The following is an entry in ClinVar:

ClinVar aggregate classification (germline): Uncertain significance (1 of 4 stars; one submission).

Allele frequency attached by ClinVar (database versions not stated): ExAC 0.00001.
gnomAD v4.1: 17 of 1,605,688 alleles (0.0011%); highest among the groups gnomAD compares: South Asian, 0.018%; no homozygotes.

Submission:

Labcorp Genetics (formerly Invitae), Labcorp
Classification: Uncertain significance. Last evaluated: 2021-04-14. Review status: criteria provided, single submitter. Criteria: Invitae Variant Classification Sherloc (09022015). Collection method: clinical testing. Allele origin: germline.
Comment: This sequence change replaces leucine with valine at codon 252 of the POC1B protein (p.Leu252Val). The leucine residue is weakly conserved and there is a small physicochemical difference between leucine and valine. In summary, the available evidence is currently insufficient to determine the role of this variant in disease. Therefore, it has been classified as a Variant of Uncertain Significance. Algorithms developed to predict the effect of missense changes on protein structure and function (SIFT, PolyPhen-2, Align-GVGD) all suggest that this variant is likely to be tolerated, but these predictions have not been confirmed by published functional studies and their clinical significance is uncertain. This variant has not been reported in the literature in individuals with POC1B-related conditions. This variant is present in population databases (rs761831640, ExAC 0.006%).

NM_172240.3(POC1B):c.754C>G (p.Leu252Val)

Genes: POC1B (POC1 centriolar protein B; minus strand), POC1B-DUSP6 (POC1B-DUSP6 readthrough; minus strand). Cytogenetic location: 12q21.33.
Variant type: single nucleotide variant.
Coding change: c.754C>G on transcript NM_172240.3 (MANE Select); coding-DNA position 754, C replaced by G.
Protein change: p.Leu252Val; replaces leucine 252 with valine.
Molecular consequence: missense variant. On other transcripts: non-coding transcript variant (2).
Genome position (GRCh38, 1-based): chr12:89,470,417, G>C on the plus strand (C>G on the coding strand, the complement: POC1B is on the minus strand). VCF-style: chr12-89470417-G-C. GRCh37 (hg19) VCF-style: chr12-89864194-G-C.
Other names: c.628C>G, p.Leu210Val (NM_001199777.2); short protein forms L210V, L252V.
Identifiers: ClinVar variation 1486925 (VCV001486925.8), dbSNP rs761831640, ClinGen allele CA6714411.